The following is an entry in ClinVar:

ClinVar aggregate classification (germline): Uncertain significance. Review status: criteria provided, multiple submitters, no conflicts (2 of 4 stars). 2 submissions from 2 submitters: Uncertain significance (2). Last evaluated 2022-03-16.

Conditions:
Early-infantile DEE. Also called: Ohtahara syndrome; Early infantile epileptic encephalopathy; Early infantile epileptic encephalopathy with suppression bursts. Identifiers: Orphanet 1934, MedGen C0393706, MONDO:0800491.
Inborn genetic diseases. Identifiers: MedGen C0950123, MeSH D030342.

Allele frequency attached by ClinVar (database versions not stated): TOPMed 0.00002; ExAC 0.00003; gnomAD 0.00003; gnomAD exomes 0.00004.

Submissions (2):

Labcorp Genetics (formerly Invitae), Labcorp
Classification: Uncertain significance for Early-infantile DEE. Last evaluated: 2022-03-16. Review status: criteria provided, single submitter. Criteria: Invitae Variant Classification Sherloc (09022015). Collection method: clinical testing. Allele origin: germline.
Comment: This sequence change replaces glutamic acid, which is acidic and polar, with aspartic acid, which is acidic and polar, at codon 1003 of the CACNA2D2 protein (p.Glu1003Asp). This variant is present in population databases (rs756230551, gnomAD 0.06%). This variant has not been reported in the literature in individuals affected with CACNA2D2-related conditions. ClinVar contains an entry for this variant (Variation ID: 1037328). Algorithms developed to predict the effect of missense changes on protein structure and function are either unavailable or do not agree on the potential impact of this missense change (SIFT: "Deleterious"; PolyPhen-2: "Benign"; Align-GVGD: "Class C35"). In summary, the available evidence is currently insufficient to determine the role of this variant in disease. Therefore, it has been classified as a Variant of Uncertain Significance.

Ambry Genetics
Classification: Uncertain significance for Inborn genetic diseases. Last evaluated: 2021-08-12. Review status: criteria provided, single submitter. Criteria: Ambry Variant Classification Scheme 2023. Collection method: clinical testing. Allele origin: germline.

NM_006030.4(CACNA2D2):c.3009G>C (p.Glu1003Asp)

Genes: CACNA2D2 (calcium voltage-gated channel auxiliary subunit alpha2delta 2; minus strand), LOC127898564 (CYB561D2-LOC101928965; plus strand), LOC101928965 (uncharacterized LOC101928965; plus strand). Cytogenetic location: 3p21.31.
Variant type: single nucleotide variant.
Coding change: c.3009G>C on transcript NM_006030.4 (MANE Select); coding-DNA position 3009, G replaced by C.
Protein change: p.Glu1003Asp; replaces glutamic acid 1003 with aspartic acid.
Molecular consequence: missense variant. On other transcripts: non-coding transcript variant (2).
Genome position (GRCh38, 1-based): chr3:50,365,445, C>G on the plus strand (G>C on the coding strand, the complement: CACNA2D2 is on the minus strand). VCF-style: chr3-50365445-C-G. GRCh37 (hg19) VCF-style: chr3-50402876-C-G.
Other names: c.3030G>C (NM_001174051.1); c.3009G>C, p.Glu1003Asp (NM_001005505.3); c.3030G>C, p.Glu1010Asp (NM_001174051.3); c.2802G>C, p.Glu934Asp (NM_001291101.1); short protein forms E1003D, E1010D, E934D.
Identifiers: ClinVar variation 1037328 (VCV001037328.8), dbSNP rs756230551, ClinGen allele CA2418263.